The following is an entry in ClinVar:

ClinVar aggregate classification (germline): Uncertain significance (1 of 4 stars; one submission).

Submission:

Women's Health and Genetics/Laboratory Corporation of America, LabCorp
Classification: Uncertain significance. Last evaluated: 2024-01-04. Review status: criteria provided, single submitter. Criteria: LabCorp Variant Classification Summary - May 2015. Collection method: clinical testing. Allele origin: germline.
Comment: Variant summary: ACTG1 c.270C>A (p.Phe90Leu) results in a non-conservative amino acid change in the encoded protein sequence. Five of five in-silico tools predict a damaging effect of the variant on protein function. The variant was absent in 251242 control chromosomes. The available data on variant occurrences in the general population are insufficient to allow any conclusion about variant significance. To our knowledge, no occurrence of c.270C>A in individuals affected with ACTG1-Related Disorders and no experimental evidence demonstrating its impact on protein function have been reported. No submitters have cited clinical-significance assessments for this variant to ClinVar. Based on the evidence outlined above, the variant was classified as uncertain significance.

NM_001614.5(ACTG1):c.270C>A (p.Phe90Leu)

Gene: ACTG1 (actin gamma 1; minus strand). Cytogenetic location: 17q25.3.
Variant type: single nucleotide variant.
Coding change: c.270C>A on transcript NM_001614.5 (MANE Select); coding-DNA position 270, C replaced by A.
Protein change: p.Phe90Leu; replaces phenylalanine 90 with leucine.
Molecular consequence: missense variant. On other transcripts: non-coding transcript variant (1).
Genome position (GRCh38, 1-based): chr17:81,511,996, G>T on the plus strand (C>A on the coding strand, the complement: ACTG1 is on the minus strand). VCF-style: chr17-81511996-G-T. GRCh37 (hg19) VCF-style: chr17-79479022-G-T.
Other names: c.270C>A, p.Phe90Leu (NM_001199954.3); short protein forms F90L.
Identifiers: ClinVar variation 3063761 (VCV003063761.1), dbSNP rs11549209, ClinGen allele CA401463025.
Genomic context (GRCh38, chr17:81,511,996, plus strand): 5'-CAGGGGGGCCTCGGTCAGCAGCACTGGGTGCTCCTCCGGGGCCACGCGCAGCTCGTTGTA[G>T]AAGGTGTGGTGCCAGATCTTCTCCATGTCGTCCCAGTTGGTGACGATGCCATGCTCAATG-3'
Protein context (NP_001605.1, residues 80-100): DDMEKIWHHT[Phe90Leu]YNELRVAPEE